The following is an entry in ClinVar:

NM_005921.2(MAP3K1):c.83G>T (p.Gly28Val)

Genes: MAP3K1 (mitogen-activated protein kinase kinase kinase 1; plus strand), LOC129993918 (ATAC-STARR-seq lymphoblastoid silent region 16021; plus strand). Cytogenetic location: 5q11.2.
Variant type: single nucleotide variant.
Coding change: c.83G>T on transcript NM_005921.2 (MANE Select); coding-DNA position 83, G replaced by T.
Protein change: p.Gly28Val; replaces glycine 28 with valine.
Molecular consequence: missense variant.
Genome position (GRCh38, 1-based): chr5:56,815,656, G>T. VCF-style: chr5-56815656-G-T. GRCh37 (hg19) VCF-style: chr5-56111483-G-T.
Other names: short protein forms G28V.
Identifiers: ClinVar variation 2571698 (VCV002571698.2), dbSNP rs757493757, ClinGen allele CA119510534.
Genomic context (GRCh38, chr5:56,815,656, plus strand): 5'-GCGCCTCGTCGTCGGGATTCCCGGGCGCCAGGGCTACGAGCCCTGAGGCAGGCGGCGGCG[G>T]AGGAGCCCTCAAGGCGAGCAGCGCGCCCGCGGCTGCCGCGGGACTGCTGCGGGAGGCGGG-3'
Protein context (NP_005912.1, residues 18-38): RATSPEAGGG[Gly28Val]GALKASSAPA

ClinVar aggregate classification (germline): Uncertain significance. Review status: criteria provided, multiple submitters, no conflicts (2 of 4 stars). 2 submissions from 2 submitters: Uncertain significance (2). Last evaluated 2024-04-19.

Conditions:
Inborn genetic diseases. Identifiers: MedGen C0950123, MeSH D030342.

Allele frequency attached by ClinVar (database versions not stated): TOPMed 0.00002; gnomAD 0.00004.
gnomAD v4.1: 31 of 1,335,016 alleles (0.0023%); highest among the groups gnomAD compares: Non-Finnish European, 0.0028%; no homozygotes.

Submissions (2):

Ambry Genetics
Classification: Uncertain significance for Inborn genetic diseases. Last evaluated: 2024-04-19. Review status: criteria provided, single submitter. Criteria: Ambry Variant Classification Scheme 2023. Collection method: clinical testing. Allele origin: germline.

GeneDx
Classification: Uncertain significance. Last evaluated: 2022-12-27. Review status: criteria provided, single submitter. Criteria: GeneDx Variant Classification Process June 2021. Collection method: clinical testing. Allele origin: germline. Affected: yes.
Comment: In silico analysis supports that this missense variant does not alter protein structure/function; Has not been previously published as pathogenic or benign to our knowledge